The following is an entry in ClinVar:

NM_000215.4(JAK3):c.*298C>A

Gene: JAK3 (Janus kinase 3; minus strand). Cytogenetic location: 19p13.11.
Variant type: single nucleotide variant.
Coding change: c.*298C>A on transcript NM_000215.4 (MANE Select); 298 bases downstream of the stop codon, C replaced by A.
Molecular consequence: 3 prime UTR variant.
Genome position (GRCh38, 1-based): chr19:17,826,445, G>T on the plus strand (C>A on the coding strand, the complement: JAK3 is on the minus strand). VCF-style: chr19-17826445-G-T. GRCh37 (hg19) VCF-style: chr19-17937254-G-T.
Identifiers: ClinVar variation 891188 (VCV000891188.4), dbSNP rs190366074, ClinGen allele CA306119037.

ClinVar aggregate classification (germline): Likely benign (1 of 4 stars; one submission).

Conditions:
T-B+ severe combined immunodeficiency due to JAK3 deficiency. Also called: SCID, T CELL-NEGATIVE, B CELL-POSITIVE, NK CELL-NEGATIVE; SCID, autosomal recessive, T-negative/B-positive type. Identifiers: Orphanet 35078, MedGen C1833275, MONDO:0010938, OMIM 600802.

Allele frequency attached by ClinVar (database versions not stated): gnomAD 0.00006 and 0.00017; TOPMed 0.00007; 1000 Genomes Project 30x 0.00078; 1000 Genomes Project 0.00080.
gnomAD v4.1: 297 of 409,962 alleles (0.072%); highest among the groups gnomAD compares: East Asian, 1.1%; 4 homozygotes.

Submission:

Illumina Laboratory Services, Illumina
Classification: Likely benign for T-B+ severe combined immunodeficiency due to JAK3 deficiency. Last evaluated: 2017-04-27. Review status: criteria provided, single submitter. Criteria: ICSL Variant Classification Criteria 13 December 2019. Collection method: clinical testing. Allele origin: germline.
Comment: This variant was observed as part of a predisposition screen in an ostensibly healthy population. A literature search was performed for the gene, cDNA change, and amino acid change (where applicable). No publications were found based on this search. Allele frequency data from public databases allowed determination this variant is unlikely to cause disease. Therefore, this variant is classified as likely benign.